The following is an entry in ClinVar:

ClinVar aggregate classification (germline): Benign/Likely benign. Review status: criteria provided, multiple submitters, no conflicts (2 of 4 stars). 6 submissions from 6 submitters: Benign (1); Likely benign (4). 1 of the submissions does not count toward it. Last evaluated 2026-02-04.

Conditions:
GYG1-related disorder. Also called: GYG1-related condition.
Glycogen storage disease XV (GSD15). Also called: GLYCOGENIN DEFICIENCY; GSD XV. Identifiers: Orphanet 263297, MedGen C3150754, MONDO:0013291, OMIM 613507.
Polyglucosan body myopathy type 2. Identifiers: Orphanet 456369, MedGen C4015452, MONDO:0014526, OMIM 616199.

Allele frequency attached by ClinVar (database versions not stated): gnomAD 0.00026; 1000 Genomes Project 30x 0.00031; ESP Exome Variant Server 0.00038; 1000 Genomes Project 0.00040; TOPMed 0.00042.
gnomAD v4.1: 119 of 1,613,844 alleles (0.0074%); highest among the groups gnomAD compares: African/African-American, 0.13%; 1 homozygote.

Submissions (6):

Labcorp Genetics (formerly Invitae), Labcorp
Classification: Benign for Polyglucosan body myopathy type 2; Glycogen storage disease XV. Last evaluated: 2026-02-04. Review status: criteria provided, single submitter. Criteria: Invitae Variant Classification Sherloc (09022015). Collection method: clinical testing. Allele origin: germline.

ARUP Laboratories, Molecular Genetics and Genomics, ARUP Laboratories
Classification: Likely benign. Last evaluated: 2025-05-09. Review status: criteria provided, single submitter. Criteria: ARUP Molecular Germline Variant Investigation Process 2024. Collection method: clinical testing. Allele origin: germline.

Mayo Clinic Laboratories, Mayo Clinic
Classification: Likely benign. Last evaluated: 2025-01-27. Review status: criteria provided, single submitter. Criteria: ACMG Guidelines, 2015. Collection method: clinical testing. Allele origin: germline. Observed: 1 variant allele.
Comment: BP4, BP7

Blueprint Genetics
Classification: Likely benign. Last evaluated: 2024-08-12. Review status: criteria provided, single submitter. Criteria: ACMG Guidelines, 2015. Collection method: clinical testing. Allele origin: germline.

GeneDx
Classification: Likely benign. Last evaluated: 2021-03-04. Review status: criteria provided, single submitter. Criteria: GeneDx Variant Classification Process June 2021. Collection method: clinical testing. Allele origin: germline. Affected: yes.

PreventionGenetics, part of Exact Sciences
Classification: Likely benign for GYG1-related condition. Last evaluated: 2019-04-05. Review status: no assertion criteria provided. Collection method: clinical testing. Allele origin: germline. Not counted in ClinVar's aggregate classification.
Comment: This variant is classified as likely benign based on ACMG/AMP sequence variant interpretation guidelines (Richards et al. 2015 PMID: 25741868, with internal and published modifications).

NM_004130.4(GYG1):c.60G>A (p.Leu20=)

Gene: GYG1 (glycogenin 1; plus strand). Cytogenetic location: 3q24.
Variant type: single nucleotide variant.
Coding change: c.60G>A on transcript NM_004130.4 (MANE Select); coding-DNA position 60, G replaced by A.
Protein change: p.Leu20=; no amino-acid change (leucine 20 retained).
Molecular consequence: synonymous variant.
Genome position (GRCh38, 1-based): chr3:148,994,194, G>A. VCF-style: chr3-148994194-G-A. GRCh37 (hg19) VCF-style: chr3-148711981-G-A.
Other names: p.Leu20=; c.60G>A, p.Leu20= (NM_001184720.2, NM_001184721.2).
Identifiers: ClinVar variation 682417 (VCV000682417.15), dbSNP rs145419359, ClinGen allele CA2658446.
Genomic context (GRCh38, chr3:148,994,194, plus strand): 5'-GTATTAAGATCAGGCCTTTGTGACACTAACCACAAACGATGCCTACGCCAAAGGTGCCCT[G>A]GTCCTGGGATCATCTCTGAAACAGCACAGGACCACCAGGAGGCTGGTCGTGCTCGCCACC-3'
Protein context (NP_004121.2, residues 10-30): TTNDAYAKGA[Leu20=]VLGSSLKQHR